The following is an entry in ClinVar:

ClinVar aggregate classification (germline): Benign/Likely benign. Review status: criteria provided, multiple submitters, no conflicts (2 of 4 stars). 3 submissions from 3 submitters: Benign (1); Likely benign (2). Last evaluated 2025-10-21.

Conditions:
Hereditary cancer-predisposing syndrome. Also called: Tumor predisposition; Hereditary Cancer Syndrome; Hereditary neoplastic syndrome; Neoplastic Syndromes, Hereditary. Identifiers: Orphanet 140162, MedGen C0027672, MeSH D009386, MONDO:0015356.
POLD1-related polyposis and colorectal cancer syndrome (CRCS10). Also called: Colorectal cancer 10; COLORECTAL CANCER, SUSCEPTIBILITY TO, ON CHROMOSOME 19q; Colorectal cancer, susceptibility to, 10. Identifiers: Orphanet 220460, MedGen C2675481, MONDO:0012953, OMIM 612591.

Allele frequency attached by ClinVar (database versions not stated): TOPMed below 0.00001; gnomAD 0.00001.
gnomAD v4.1: 3 of 1,599,574 alleles (0.00019%); highest among the groups gnomAD compares: African/African-American, 0.0027%; no homozygotes.

Submissions (3):

Labcorp Genetics (formerly Invitae), Labcorp
Classification: Likely benign for POLD1-related polyposis and colorectal cancer syndrome. Last evaluated: 2025-10-21. Review status: criteria provided, single submitter. Criteria: Invitae Variant Classification Sherloc (09022015). Collection method: clinical testing. Allele origin: germline.

Myriad Genetics, Inc.
Classification: Benign for POLD1-related polyposis and colorectal cancer syndrome. Last evaluated: 2025-02-06. Review status: criteria provided, single submitter. Criteria: Myriad Autosomal Dominant, Autosomal Recessive and X-Linked Classification Criteria (2023). Collection method: clinical testing. Allele origin: unknown.
Comment: This variant is considered benign. This variant is a silent/synonymous amino acid change and it is not expected to impact splicing.

Ambry Genetics
Classification: Likely benign for Hereditary cancer-predisposing syndrome. Last evaluated: 2017-03-07. Review status: criteria provided, single submitter. Criteria: Ambry Variant Classification Scheme 2023. Collection method: clinical testing. Allele origin: germline.

NM_002691.4(POLD1):c.1434C>T (p.Ser478=)

Gene: POLD1 (DNA polymerase delta 1, catalytic subunit; plus strand). Cytogenetic location: 19q13.33.
Variant type: single nucleotide variant.
Coding change: c.1434C>T on transcript NM_002691.4 (MANE Select); coding-DNA position 1434, C replaced by T.
Protein change: p.Ser478=; no amino-acid change (serine 478 retained).
Molecular consequence: synonymous variant. On other transcripts: non-coding transcript variant (1).
Genome position (GRCh38, 1-based): chr19:50,406,457, C>T. VCF-style: chr19-50406457-C-T. GRCh37 (hg19) VCF-style: chr19-50909714-C-T.
Other names: c.1434C>T, p.Ser478= (NM_001256849.1, NM_001308632.1).
Identifiers: ClinVar variation 484421 (VCV000484421.15), dbSNP rs1199543659, ClinGen allele CA508304679.
Genomic context (GRCh38, chr19:50,406,457, plus strand): 5'-ACCCACCTAGGTGCTGCTGCGGGAGTACAAGCTCCGCTCCTACACGCTCAATGCCGTGAG[C>T]TTCCACTTCCTGGGCGAGCAGAAGGAGGACGTGCAGCACAGCATCATCACCGACCTGCAG-3'
Protein context (NP_002682.2, residues 468-488): KLRSYTLNAV[Ser478=]FHFLGEQKED